The following is an entry in ClinVar:

ClinVar aggregate classification (germline): Pathogenic (1 of 4 stars; one submission).

Conditions:
Breast-ovarian cancer, familial, susceptibility to, 2 (BROVCA2). Also called: BRCA2 Hereditary Breast and Ovarian Cancer. Identifiers: Orphanet 145, MedGen C2675520, MONDO:0012933, OMIM 612555. Disease mechanism: loss of function.

Submission:

Myriad Genetics, Inc.
Classification: Pathogenic for Breast-ovarian cancer, familial, susceptibility to, 2. Last evaluated: 2026-06-01. Review status: criteria provided, single submitter. Criteria: Myriad Autosomal Dominant, Autosomal Recessive and X-Linked Classification Criteria (2023). Collection method: clinical testing. Allele origin: unknown.
Comment: This variant is considered pathogenic. This variant creates a frameshift predicted to result in premature protein truncation.

NM_000059.4(BRCA2):c.886dup (p.Tyr296fs)

Gene: BRCA2 (BRCA2 DNA repair associated; plus strand). Cytogenetic location: 13q13.1.
Variant type: Duplication.
Coding change: c.886dup on transcript NM_000059.4 (MANE Select); coding-DNA position 886, one base duplicated (T; older notation c.886dupT).
Protein change: p.Tyr296fs; shifts the reading frame from tyrosine 296.
Molecular consequence: frameshift variant. On other transcripts: non-coding transcript variant (1), intron variant (1).
Genome position (GRCh38, 1-based): chr13:32,332,364, T duplicated. VCF-style (leftmost placement, unchanged base first): chr13-32332363-A-AT. GRCh37 (hg19) VCF-style: chr13-32906500-A-AT.
Other names: c.886dup, p.Tyr296fs (NM_001406719.1, NM_001406720.1, NM_001406721.1 and 1 more transcripts); c.424+1334dup (NM_001406722.1); short protein forms Y296fs.
Identifiers: ClinVar variation 4876080 (VCV004876080.1).
Genomic context (GRCh38, chr13:32,332,363, plus strand): 5'-AGTAAATAGCTGCAAAGACCACATTGGAAAGTCAATGCCAAATGTCCTAGAAGATGAAGT[A>AT]TATGAAACAGTTGTAGATACCTCTGAAGAAGATAGTTTTTCATTATGTTTTTCTAAATGT-3'